The following is an entry in ClinVar:

NM_024675.4(PALB2):c.3507T>C (p.Ser1169=)

Gene: PALB2 (partner and localizer of BRCA2; minus strand). Cytogenetic location: 16p12.2.
Variant type: single nucleotide variant.
Coding change: c.3507T>C on transcript NM_024675.4 (MANE Select); coding-DNA position 3507, T replaced by C.
Protein change: p.Ser1169=; no amino-acid change (serine 1169 retained).
Molecular consequence: synonymous variant. On other transcripts: 3 prime UTR variant (5).
Genome position (GRCh38, 1-based): chr16:23,603,513, A>G on the plus strand (T>C on the coding strand, the complement: PALB2 is on the minus strand). VCF-style: chr16-23603513-A-G. GRCh37 (hg19) VCF-style: chr16-23614834-A-G.
Other names: c.3447T>C, p.Ser1149= (NM_001407296.1); c.3435T>C, p.Ser1145= (NM_001407297.1); c.3345T>C, p.Ser1115= (NM_001407298.1); c.3270T>C, p.Ser1090= (NM_001407299.1); c.3228T>C, p.Ser1076= (NM_001407300.1); c.*142T>C (NM_001407301.1, NM_001407302.1, NM_001407310.1 and 2 more transcripts); c.2622T>C, p.Ser874= (NM_001407304.1, NM_001407305.1, NM_001407306.1); c.2460T>C, p.Ser820= (NM_001407307.1); and 3 more.
Identifiers: ClinVar variation 3903740 (VCV003903740.2).

ClinVar aggregate classification (germline): Benign/Likely benign. Review status: criteria provided, multiple submitters, no conflicts (2 of 4 stars). 2 submissions from 2 submitters: Benign (1); Likely benign (1). Last evaluated 2025-09-28.

Conditions:
Familial cancer of breast. Also called: Hereditary breast cancer; hereditary breast carcinoma; BREAST CANCER, FAMILIAL. Identifiers: Orphanet 227535, MedGen C0346153, MONDO:0016419, OMIM 114480. Disease mechanism: loss of function.
Hereditary cancer-predisposing syndrome. Also called: Hereditary Cancer Syndrome; Hereditary neoplastic syndrome; Neoplastic Syndromes, Hereditary; Tumor predisposition. Identifiers: Orphanet 140162, MedGen C0027672, MeSH D009386, MONDO:0015356.

gnomAD v4.1: 1 of 1,614,168 alleles (0.000062%); highest among the groups gnomAD compares: South Asian, 0.0011%; no homozygotes.

Submissions (2):

Ambry Genetics
Classification: Likely benign for Hereditary cancer-predisposing syndrome. Last evaluated: 2025-09-28. Review status: criteria provided, single submitter. Criteria: Ambry Variant Classification Scheme 2023. Collection method: clinical testing. Allele origin: germline.

Myriad Genetics, Inc.
Classification: Benign for Familial cancer of breast. Last evaluated: 2025-01-22. Review status: criteria provided, single submitter. Criteria: Myriad Autosomal Dominant, Autosomal Recessive and X-Linked Classification Criteria (2023). Collection method: clinical testing. Allele origin: unknown.
Comment: This variant is considered benign. This variant is a silent/synonymous amino acid change and it is not expected to impact splicing.